The following is an entry in ClinVar:

ClinVar aggregate classification (germline): Likely pathogenic (1 of 4 stars; one submission).

Conditions:
Intellectual disability-facial dysmorphism syndrome due to SETD5 haploinsufficiency (MRD23). Also called: Intellectual developmental disorder, autosomal dominant 23. Identifiers: Orphanet 404440, MedGen C3810406, MONDO:0014336, OMIM 615761.

Submission:

3billion
Classification: Likely pathogenic for Intellectual disability-facial dysmorphism syndrome due to SETD5 haploinsufficiency. Last evaluated: 2025-09-07. Review status: criteria provided, single submitter. Criteria: ACMG Guidelines, 2015. Collection method: clinical testing. Allele origin: germline. Affected: yes.
Comment: The variant is not observed in the gnomAD v4.1.0 dataset. Predicted Consequence/Location: Frameshift: predicted to result in a loss or disruption of normal protein function through nonsense-mediated decay (NMD) or protein truncation. Multiple pathogenic variants are reported downstream of the variant. Therefore, this variant is classified as Likely pathogenic according to the recommendation of ACMG/AMP guideline.

NM_001080517.3(SETD5):c.3337_3338del (p.His1113fs)

Gene: SETD5 (SET domain containing 5; plus strand). Cytogenetic location: 3p25.3.
Variant type: Deletion.
Coding change: c.3337_3338del on transcript NM_001080517.3 (MANE Select); coding-DNA positions 3337 to 3338, 2 bases deleted (CA; older notation c.3337_3338delCA).
Protein change: p.His1113fs; shifts the reading frame from histidine 1113.
Molecular consequence: frameshift variant.
Genome position (GRCh38, 1-based): chr3:9,473,377-9,473,378, CA deleted. VCF-style (leftmost placement, unchanged base first): chr3-9473376-CCA-C. GRCh37 (hg19) VCF-style: chr3-9515060-CCA-C.
Other names: c.3451_3452del, p.His1151fs (NM_001437635.1); c.3394_3395del, p.His1132fs (NM_001437643.1); c.3376_3377del, p.His1126fs (NM_001437701.1); c.3043_3044del, p.His1015fs (NM_001292043.2, NM_001349451.2); c.3433_3434del, p.His1145fs (NM_001437633.1); short protein forms H1015fs, H1113fs, H1126fs, H1132fs, H1145fs, H1151fs.
Identifiers: ClinVar variation 4854115 (VCV004854115.1).
Genomic context (GRCh38, chr3:9,473,376, plus strand): 5'-CAAAAGCAAGTCTGCAGGAGCTGGGCAAGGCAGCAGTAACTCCGTTTCCGACACTGGTGC[CCA>C]TGGTGTGCAGGGATCCTCAGCCCGAACTCCATCTTCCCCTCACAAAAAATTCTCCCCATC-3'